The following is an entry in ClinVar:

ClinVar aggregate classification (germline): Uncertain significance. Review status: criteria provided, multiple submitters, no conflicts (2 of 4 stars). 6 submissions from 6 submitters: Uncertain significance (6). Last evaluated 2025-12-27.

Conditions:
Epidermolysis bullosa simplex, Ogna type (EBS5A). Also called: Pidermolysis bullosa simplex 5A, Ogna type; EPIDERMOLYSIS BULLOSA SIMPLEX 5A, OGNA TYPE. Identifiers: Orphanet 79401, MedGen C0432317, MONDO:0007555, OMIM 131950.
Epidermolysis bullosa simplex 5C, with pyloric atresia (EBS5C). Also called: Epidermolysis bullosa simplex with pyloric atresia; PLEC-Related Epidermolysis Bullosa with Pyloric Atresia; PLEC1-Related Epidermolysis Bullosa with Pyloric Atresia. Identifiers: Orphanet 158684, MedGen C2677349, MONDO:0012807, OMIM 612138.
Epidermolysis bullosa simplex 5B, with muscular dystrophy (EBS5B). Also called: EPIDERMOLYSIS BULLOSA SIMPLEX AND LIMB-GIRDLE MUSCULAR DYSTROPHY; Epidermolysis bullosa simplex with muscular dystrophy. Identifiers: Orphanet 257, MedGen C2931072, MONDO:0009181, OMIM 226670.
Autosomal recessive limb-girdle muscular dystrophy type 2Q (LGMDR17). Also called: MUSCULAR DYSTROPHY, LIMB-GIRDLE, AUTOSOMAL RECESSIVE 17. Identifiers: Orphanet 254361, MedGen C3150989, MONDO:0013390, OMIM 613723.
Epidermolysis bullosa simplex with nail dystrophy (EBS5D). Identifiers: MedGen C4225309, MONDO:0014661, OMIM 616487.
Inborn genetic diseases. Identifiers: MedGen C0950123, MeSH D030342.

Allele frequency attached by ClinVar (database versions not stated): gnomAD below 0.00001 and 0.00004; ExAC 0.00019; 1000 Genomes Project 30x 0.00062; TOPMed 0.00001; gnomAD exomes 0.00015 and 0.00005; 1000 Genomes Project 0.00040.
gnomAD v4.1: 79 of 1,608,026 alleles (0.0049%); highest among the groups gnomAD compares: South Asian, 0.083%; 1 homozygote.

Submissions (6):

Labcorp Genetics (formerly Invitae), Labcorp
Classification: Uncertain significance for Autosomal recessive limb-girdle muscular dystrophy type 2Q; Epidermolysis bullosa simplex, Ogna type; Epidermolysis bullosa simplex with nail dystrophy; Epidermolysis bullosa simplex 5C, with pyloric atresia; Epidermolysis bullosa simplex 5B, with muscular dystrophy. Last evaluated: 2025-12-27. Review status: criteria provided, single submitter. Criteria: Invitae Variant Classification Sherloc (09022015). Collection method: clinical testing. Allele origin: germline.
Comment: This sequence change replaces cysteine, which is neutral and slightly polar, with serine, which is neutral and polar, at codon 740 of the PLEC protein (p.Cys740Ser). This variant is present in population databases (rs553811387, gnomAD 0.1%). This variant has not been reported in the literature in individuals affected with PLEC-related conditions. ClinVar contains an entry for this variant (Variation ID: 1036036). Invitae Evidence Modeling of protein sequence and biophysical properties (such as structural, functional, and spatial information, amino acid conservation, physicochemical variation, residue mobility, and thermodynamic stability) indicates that this missense variant is not expected to disrupt PLEC protein function with a negative predictive value of 80%. In summary, the available evidence is currently insufficient to determine the role of this variant in disease. Therefore, it has been classified as a Variant of Uncertain Significance.

GeneDx
Classification: Uncertain significance. Last evaluated: 2025-06-06. Review status: criteria provided, single submitter. Criteria: GeneDx Variant Classification Process June 2021. Collection method: clinical testing. Allele origin: germline. Affected: yes.
Comment: In silico analysis supports that this missense variant has a deleterious effect on protein structure/function; Missense variant in a gene in which most reported pathogenic variants are truncating/loss of function; Has not been previously published as pathogenic or benign to our knowledge; This variant is associated with the following publications: (PMID: 30161220)

Blueprint Genetics
Classification: Uncertain significance. Last evaluated: 2024-08-17. Review status: criteria provided, single submitter. Criteria: ACMG Guidelines, 2015. Collection method: clinical testing. Allele origin: germline.

Clinical Genetics Laboratory, Skane University Hospital Lund
Classification: Uncertain significance. Last evaluated: 2023-10-12. Review status: criteria provided, single submitter. Criteria: ACMG Guidelines, 2015. Collection method: clinical testing. Allele origin: germline. Affected: yes.

Revvity Omics, Revvity
Classification: Uncertain significance. Last evaluated: 2023-06-07. Review status: criteria provided, single submitter. Criteria: ACMG Guidelines, 2015. Collection method: clinical testing. Allele origin: germline.

Ambry Genetics
Classification: Uncertain significance for Inborn genetic diseases. Last evaluated: 2023-05-26. Review status: criteria provided, single submitter. Criteria: Ambry Variant Classification Scheme 2023. Collection method: clinical testing. Allele origin: germline.

NM_201384.3(PLEC):c.2138G>C (p.Cys713Ser)

Gene: PLEC (plectin; minus strand). Cytogenetic location: 8q24.3.
Variant type: single nucleotide variant.
Coding change: c.2138G>C on transcript NM_201384.3 (MANE Select); coding-DNA position 2138, G replaced by C.
Protein change: p.Cys713Ser; replaces cysteine 713 with serine.
Molecular consequence: missense variant.
Genome position (GRCh38, 1-based): chr8:143,931,977, C>G on the plus strand (G>C on the coding strand, the complement: PLEC is on the minus strand). VCF-style: chr8-143931977-C-G. GRCh37 (hg19) VCF-style: chr8-145006145-C-G.
Other names: c.2219G>C (NM_000445.3); c.2219G>C, p.Cys740Ser (NM_000445.5); c.2096G>C, p.Cys699Ser (NM_201378.4); c.2072G>C, p.Cys691Ser (NM_201379.3); c.2549G>C, p.Cys850Ser (NM_201380.4); c.2042G>C, p.Cys681Ser (NM_201381.3); c.2138G>C, p.Cys713Ser (NM_201382.4); c.2150G>C, p.Cys717Ser (NM_201383.3); short protein forms C713S, C691S, C850S, C681S, C699S, C717S, C740S.
Identifiers: ClinVar variation 1036036 (VCV001036036.13), dbSNP rs553811387, ClinGen allele CA4927643.